The following is an entry in ClinVar:

ClinVar aggregate classification (germline): Uncertain significance (1 of 4 stars; one submission).

Conditions:
DICER1-related tumor predisposition. Also called: DICER1 syndrome; DICER1-related pleuropulmonary blastoma cancer predisposition syndrome. Identifiers: Orphanet 284343, MedGen C3839822, MONDO:0100216.

Allele frequency attached by ClinVar (database versions not stated): gnomAD exomes below 0.00001.
gnomAD v4.1: 2 of 1,613,712 alleles (0.00012%); highest among the groups gnomAD compares: South Asian, 0.0022%; no homozygotes.

Submission:

Labcorp Genetics (formerly Invitae), Labcorp
Classification: Uncertain significance for DICER1-related tumor predisposition. Last evaluated: 2023-12-02. Review status: criteria provided, single submitter. Criteria: Invitae Variant Classification Sherloc (09022015). Collection method: clinical testing. Allele origin: germline.
Comment: This sequence change replaces methionine, which is neutral and non-polar, with isoleucine, which is neutral and non-polar, at codon 837 of the DICER1 protein (p.Met837Ile). This variant is present in population databases (no rsID available, gnomAD 0.003%). This variant has not been reported in the literature in individuals affected with DICER1-related conditions. Advanced modeling of protein sequence and biophysical properties (such as structural, functional, and spatial information, amino acid conservation, physicochemical variation, residue mobility, and thermodynamic stability) performed at Invitae indicates that this missense variant is not expected to disrupt DICER1 protein function with a negative predictive value of 80%. In summary, the available evidence is currently insufficient to determine the role of this variant in disease. Therefore, it has been classified as a Variant of Uncertain Significance.

NM_177438.3(DICER1):c.2511G>T (p.Met837Ile)

Gene: DICER1 (dicer 1, ribonuclease III; minus strand). Cytogenetic location: 14q32.13.
Variant type: single nucleotide variant.
Coding change: c.2511G>T on transcript NM_177438.3 (MANE Select); coding-DNA position 2511, G replaced by T.
Protein change: p.Met837Ile; replaces methionine 837 with isoleucine.
Molecular consequence: missense variant. On other transcripts: non-coding transcript variant (6).
Genome position (GRCh38, 1-based): chr14:95,108,019, C>A on the plus strand (G>T on the coding strand, the complement: DICER1 is on the minus strand). VCF-style: chr14-95108019-C-A. GRCh37 (hg19) VCF-style: chr14-95574356-C-A.
Other names: c.2511G>T, p.Met837Ile (NM_001195573.1, NM_001271282.3, NM_001291628.2 and 13 more transcripts); c.2229G>T, p.Met743Ile (NM_001395686.1); c.2106G>T, p.Met702Ile (NM_001395687.1, NM_001395688.1, NM_001395689.1 and 2 more transcripts); c.1944G>T, p.Met648Ile (NM_001395691.1); c.828G>T, p.Met276Ile (NM_001395697.1); short protein forms M743I, M837I, M276I, M648I, M702I.
Identifiers: ClinVar variation 2780104 (VCV002780104.3), dbSNP rs1360646143, ClinGen allele CA390881869.